The following is an entry in ClinVar:

NM_001005337.3(PKP1):c.1233-413C>A

Gene: PKP1 (plakophilin 1; plus strand). Cytogenetic location: 1q32.1.
Variant type: single nucleotide variant.
Coding change: c.1233-413C>A on transcript NM_001005337.3 (MANE Select); 413 bases into the intron before coding-DNA position 1233, C replaced by A.
Molecular consequence: intron variant. On other transcripts: missense variant (1).
Genome position (GRCh38, 1-based): chr1:201,319,854, C>A. VCF-style: chr1-201319854-C-A. GRCh37 (hg19) VCF-style: chr1-201288982-C-A.
Other names: c.1271C>A, p.Pro424Gln (NM_000299.4); short protein forms P424Q.
Identifiers: ClinVar variation 3037845 (VCV003037845.2), dbSNP rs41269939, ClinGen allele CA1324354.

ClinVar aggregate classification (germline): Benign (0 of 4 stars; one submission).

Conditions:
PKP1-related disorder. Also called: PKP1-related condition.

Allele frequency attached by ClinVar (database versions not stated): 1000 Genomes Project 30x 0.00515; 1000 Genomes Project 0.00519; ESP Exome Variant Server 0.01492.
gnomAD v4.1: 26,644 of 1,613,710 alleles (1.7%); highest among the groups gnomAD compares: Non-Finnish European, 1.9%; 254 homozygotes.

Submission:

PreventionGenetics, part of Exact Sciences
Classification: Benign for PKP1-related condition. Last evaluated: 2019-03-20. Review status: no assertion criteria provided. Collection method: clinical testing. Allele origin: germline.
Comment: This variant is classified as benign based on ACMG/AMP sequence variant interpretation guidelines (Richards et al. 2015 PMID: 25741868, with internal and published modifications).